The following is an entry in ClinVar:

ClinVar aggregate classification (germline): Uncertain significance (1 of 4 stars; one submission).

Conditions:
Congenital adrenal hyperplasia due to cytochrome P450 oxidoreductase deficiency. Also called: DISORDERED STEROIDOGENESIS DUE TO POR DEFICIENCY. Identifiers: Orphanet 95699, MedGen C1860042, MONDO:0013310, OMIM 613571.

gnomAD v4.1: 15 of 1,555,224 alleles (0.00096%); highest among the groups gnomAD compares: Middle Eastern, 0.019%; no homozygotes.

Submission:

Labcorp Genetics (formerly Invitae), Labcorp
Classification: Uncertain significance for Congenital adrenal hyperplasia due to cytochrome P450 oxidoreductase deficiency. Last evaluated: 2024-10-01. Review status: criteria provided, single submitter. Criteria: Invitae Variant Classification Sherloc (09022015). Collection method: clinical testing. Allele origin: germline.
Comment: This sequence change replaces isoleucine, which is neutral and non-polar, with valine, which is neutral and non-polar, at codon 203 of the POR protein (p.Ile203Val). This variant is present in population databases (rs782532734, gnomAD 0.004%). This variant has not been reported in the literature in individuals affected with POR-related conditions. Invitae Evidence Modeling of protein sequence and biophysical properties (such as structural, functional, and spatial information, amino acid conservation, physicochemical variation, residue mobility, and thermodynamic stability) indicates that this missense variant is not expected to disrupt POR protein function with a negative predictive value of 80%. In summary, the available evidence is currently insufficient to determine the role of this variant in disease. Therefore, it has been classified as a Variant of Uncertain Significance.

NM_001395413.1(POR):c.598A>G (p.Ile200Val)

Gene: POR (cytochrome p450 oxidoreductase; plus strand). Cytogenetic location: 7q11.23.
Variant type: single nucleotide variant.
Coding change: c.598A>G on transcript NM_001395413.1 (MANE Select); coding-DNA position 598, A replaced by G.
Protein change: p.Ile200Val; replaces isoleucine 200 with valine.
Molecular consequence: missense variant.
Genome position (GRCh38, 1-based): chr7:75,981,138, A>G. VCF-style: chr7-75981138-A-G. GRCh37 (hg19) VCF-style: chr7-75610456-A-G.
Other names: c.598A>G, p.Ile200Val (NM_001367562.3, NM_001382657.2, NM_001382658.3 and 2 more transcripts); c.652A>G, p.Ile218Val (NM_001382655.3); short protein forms I218V, I200V.
Identifiers: ClinVar variation 3703067 (VCV003703067.2).